The following is an entry in ClinVar:

ClinVar aggregate classification (germline): Uncertain significance. Review status: criteria provided, multiple submitters, no conflicts (2 of 4 stars). 3 submissions from 3 submitters: Uncertain significance (3). Last evaluated 2025-04-17.

Submissions (3):

Labcorp Genetics (formerly Invitae), Labcorp
Classification: Uncertain significance. Last evaluated: 2025-04-17. Review status: criteria provided, single submitter. Criteria: Invitae Variant Classification Sherloc (09022015). Collection method: clinical testing. Allele origin: germline.
Comment: This variant, c.430_432del, results in the deletion of 1 amino acid(s) of the RP1L1 protein (p.Ser144del), but otherwise preserves the integrity of the reading frame. This variant is present in population databases (rs771757943, gnomAD 0.02%). This variant has not been reported in the literature in individuals affected with RP1L1-related conditions. Experimental studies and prediction algorithms are not available or were not evaluated, and the functional significance of this variant is currently unknown. In summary, the available evidence is currently insufficient to determine the role of this variant in disease. Therefore, it has been classified as a Variant of Uncertain Significance.

Blueprint Genetics
Classification: Uncertain significance. Last evaluated: 2024-04-26. Review status: criteria provided, single submitter. Criteria: ACMG Guidelines, 2015. Collection method: clinical testing. Allele origin: germline.

CeGaT Center for Human Genetics Tuebingen
Classification: Uncertain significance. Last evaluated: 2018-06-01. Review status: criteria provided, single submitter. Criteria: CeGaT Center For Human Genetics Tuebingen Variant Classification Criteria Version 2. Collection method: clinical testing. Allele origin: germline. Affected: yes. Observed: 1 variant allele.

NM_178857.6(RP1L1):c.424TCC[2] (p.Ser144del)

Gene: RP1L1 (RP1 like 1). Cytogenetic location: 8p23.1.
Variant type: Microsatellite.
Coding change: c.424TCC[2] on transcript NM_178857.6 (MANE Select); two copies in a row of the 3-base unit TCC starting at c.424.
Protein change: p.Ser144del; deletes serine 144.
Molecular consequence: inframe deletion.
Genome position: GRCh38 VCF-style: chr8-10622769-GGGA-G. GRCh37 (hg19) VCF-style: chr8-10480279-GGGA-G.
Other names: short protein forms S144del.
Identifiers: ClinVar variation 624312 (VCV000624312.49), dbSNP rs771757943, ClinGen allele CA4625703.
Genomic context (GRCh38, chr8:10,622,769, plus strand): 5'-GGAGGCGAGGGTCCATGTTCTTAATCAGCAGTATCCTCCGGGGGGTTTTAAGACTCTTCC[GGGA>G]GGAGGAGGTGCCTGGGGCTTCACGCTGGCCTTCGACATCCCGCAACTGCTGAGCAGTGGG-3'